The following is an entry in ClinVar:

ClinVar aggregate classification (germline): Uncertain significance (1 of 4 stars; one submission).

Conditions:
Hereditary cancer-predisposing syndrome. Also called: Neoplastic Syndromes, Hereditary; Tumor predisposition; Hereditary Cancer Syndrome; Hereditary neoplastic syndrome. Identifiers: Orphanet 140162, MedGen C0027672, MeSH D009386, MONDO:0015356.

Submission:

Ambry Genetics
Classification: Uncertain significance for Hereditary cancer-predisposing syndrome. Last evaluated: 2021-12-11. Review status: criteria provided, single submitter. Criteria: Ambry Variant Classification Scheme 2023. Collection method: clinical testing. Allele origin: germline.
Comment: The p.N298H variant (also known as c.892A>C), located in coding exon 2 of the AXIN2 gene, results from an A to C substitution at nucleotide position 892. The asparagine at codon 298 is replaced by histidine, an amino acid with similar properties. This amino acid position is conserved. In addition, the in silico prediction for this alteration is inconclusive. Since supporting evidence is limited at this time, the clinical significance of this alteration remains unclear.

NM_004655.4(AXIN2):c.892A>C (p.Asn298His)

Gene: AXIN2 (axin 2; minus strand). Cytogenetic location: 17q24.1.
Variant type: single nucleotide variant.
Coding change: c.892A>C on transcript NM_004655.4 (MANE Select); coding-DNA position 892, A replaced by C.
Protein change: p.Asn298His; replaces asparagine 298 with histidine.
Molecular consequence: missense variant.
Genome position (GRCh38, 1-based): chr17:65,549,584, T>G on the plus strand (A>C on the coding strand, the complement: AXIN2 is on the minus strand). VCF-style: chr17-65549584-T-G. GRCh37 (hg19) VCF-style: chr17-63545702-T-G.
Other names: c.892A>C, p.Asn298His (NM_001363813.1); short protein forms N298H.
Identifiers: ClinVar variation 1765141 (VCV001765141.2), dbSNP rs1598110416, ClinGen allele CA400679558.